The following is an entry in ClinVar:

ClinVar aggregate classification (germline): Uncertain significance (1 of 4 stars; one submission).

Allele frequency attached by ClinVar (database versions not stated): ExAC 0.00002; gnomAD exomes 0.00002 and 0.00004; TOPMed 0.00002; gnomAD 0.00004.
gnomAD v4.1: 29 of 1,613,688 alleles (0.0018%); highest among the groups gnomAD compares: Non-Finnish European, 0.0025%; no homozygotes.

Submission:

Labcorp Genetics (formerly Invitae), Labcorp
Classification: Uncertain significance. Last evaluated: 2025-04-16. Review status: criteria provided, single submitter. Criteria: Invitae Variant Classification Sherloc (09022015). Collection method: clinical testing. Allele origin: germline.
Comment: This sequence change replaces glutamine, which is neutral and polar, with arginine, which is basic and polar, at codon 56 of the GUCA1B protein (p.Gln56Arg). This variant is present in population databases (rs757396349, gnomAD 0.009%). This variant has not been reported in the literature in individuals affected with GUCA1B-related conditions. ClinVar contains an entry for this variant (Variation ID: 1060979). An algorithm developed to predict the effect of missense changes on protein structure and function (PolyPhen-2) suggests that this variant is likely to be tolerated. Algorithms developed to predict the effect of sequence changes on RNA splicing suggest that this variant may disrupt the consensus splice site. In summary, the available evidence is currently insufficient to determine the role of this variant in disease. Therefore, it has been classified as a Variant of Uncertain Significance.

NM_002098.6(GUCA1B):c.167A>G (p.Gln56Arg)

Gene: GUCA1B (guanylate cyclase activator 1B; minus strand). Cytogenetic location: 6p21.1.
Variant type: single nucleotide variant.
Coding change: c.167A>G on transcript NM_002098.6 (MANE Select); coding-DNA position 167, A replaced by G.
Protein change: p.Gln56Arg; replaces glutamine 56 with arginine.
Molecular consequence: missense variant.
Genome position (GRCh38, 1-based): chr6:42,194,654, T>C on the plus strand (A>G on the coding strand, the complement: GUCA1B is on the minus strand). VCF-style: chr6-42194654-T-C. GRCh37 (hg19) VCF-style: chr6-42162392-T-C.
Other names: short protein forms Q56R.
Identifiers: ClinVar variation 1060979 (VCV001060979.7), dbSNP rs757396349, ClinGen allele CA3805638.